The following is an entry in ClinVar:

NM_022489.4(INF2):c.346G>A (p.Glu116Lys)

Gene: INF2 (inverted formin 2; plus strand). Cytogenetic location: 14q32.33.
Variant type: single nucleotide variant.
Coding change: c.346G>A on transcript NM_022489.4 (MANE Select); coding-DNA position 346, G replaced by A.
Protein change: p.Glu116Lys; replaces glutamic acid 116 with lysine.
Molecular consequence: missense variant.
Genome position (GRCh38, 1-based): chr14:104,701,711, G>A. VCF-style: chr14-104701711-G-A. GRCh37 (hg19) VCF-style: chr14-105168048-G-A.
Other names: c.346G>A, p.Glu116Lys (NM_032714.3, NM_001031714.4, NM_001426862.1 and 6 more transcripts); c.346G>A (NM_022489.3); short protein forms E116K.
Identifiers: ClinVar variation 2937684 (VCV002937684.5), dbSNP rs1181636296, ClinGen allele CA391225929.

ClinVar aggregate classification (germline): Uncertain significance. Review status: criteria provided, multiple submitters, no conflicts (2 of 4 stars). 2 submissions from 2 submitters: Uncertain significance (2). Last evaluated 2026-03-09.

Conditions:
INF2-related disorder. Also called: INF2-related condition.
Focal segmental glomerulosclerosis 5 (FSGS5). Identifiers: Orphanet 656, MedGen C2750475, MONDO:0013191, OMIM 613237.
Charcot-Marie-Tooth disease dominant intermediate E. Also called: CHARCOT-MARIE-TOOTH NEUROPATHY WITH FOCAL SEGMENTAL GLOMERULONEPHRITIS. Identifiers: Orphanet 93114, MedGen C4302667, MONDO:0013758, OMIM 614455.

Allele frequency attached by ClinVar (database versions not stated): gnomAD exomes below 0.00001; TOPMed 0.00001.
gnomAD v4.1: 6 of 1,544,898 alleles (0.00039%); highest among the groups gnomAD compares: Non-Finnish European, 0.00052%; no homozygotes.

Submissions (3):

PreventionGenetics, part of Exact Sciences
Classification: Uncertain significance for INF2-related condition. Last evaluated: 2026-03-09. Review status: criteria provided, single submitter. Criteria: ACMG Guidelines, 2015. Collection method: clinical testing. Allele origin: germline.
Comment: The INF2 c.346G>A variant is predicted to result in the amino acid substitution p.Glu116Lys. To our knowledge, this variant has not been reported in the literature or in a large population database (gnomAD), indicating this variant is rare. At this time, the clinical significance of this variant is uncertain due to the absence of conclusive functional and genetic evidence.

Labcorp Genetics (formerly Invitae), Labcorp
Classification: Uncertain significance for Charcot-Marie-Tooth disease dominant intermediate E; Focal segmental glomerulosclerosis 5. Last evaluated: 2023-05-05. Review status: criteria provided, single submitter. Criteria: Invitae Variant Classification Sherloc (09022015). Collection method: clinical testing. Allele origin: germline.
Comment: This sequence change replaces glutamic acid, which is acidic and polar, with lysine, which is basic and polar, at codon 116 of the INF2 protein (p.Glu116Lys). This variant is not present in population databases (gnomAD no frequency). This variant has not been reported in the literature in individuals affected with INF2-related conditions. Advanced modeling of protein sequence and biophysical properties (such as structural, functional, and spatial information, amino acid conservation, physicochemical variation, residue mobility, and thermodynamic stability) performed at Invitae indicates that this missense variant is not expected to disrupt INF2 protein function. In summary, the available evidence is currently insufficient to determine the role of this variant in disease. Therefore, it has been classified as a Variant of Uncertain Significance.

Dr. Peter K. Rogan Lab, Western University
No classification provided (evidence only). Condition: Melanoma. Review status: no classification provided. Collection method: in vitro. Allele origin: not applicable. Functional consequence: retained intron. Not counted in ClinVar's aggregate classification.